The following is an entry in ClinVar:

ClinVar aggregate classification (germline): Uncertain significance. Review status: criteria provided, multiple submitters, no conflicts (2 of 4 stars). 2 submissions from 2 submitters: Uncertain significance (2). Last evaluated 2025-03-07.

Conditions:
Familial melanoma. Also called: Hereditary melanoma; Hereditary cutaneous melanoma. Identifiers: Orphanet 618, MedGen C1512419, MONDO:0018961.
Hereditary cancer-predisposing syndrome. Also called: Neoplastic Syndromes, Hereditary; Tumor predisposition; Hereditary Cancer Syndrome; Hereditary neoplastic syndrome. Identifiers: Orphanet 140162, MedGen C0027672, MeSH D009386, MONDO:0015356.

Allele frequency attached by ClinVar (database versions not stated): TOPMed below 0.00001; gnomAD 0.00001.

Submissions (2):

Ambry Genetics
Classification: Uncertain significance for Hereditary cancer-predisposing syndrome. Last evaluated: 2025-03-07. Review status: criteria provided, single submitter. Criteria: Ambry Variant Classification Scheme 2023. Collection method: clinical testing. Allele origin: germline.
Comment: The c.355-4C>G intronic variant results from a C to G substitution 4 nucleotides upstream from coding exon 3 in the CDK4 gene. This nucleotide position is well conserved in available vertebrate species. In silico splice site analysis predicts that this alteration will result in the creation or strengthening of a novel splice acceptor site. Based on the available evidence, the clinical significance of this variant remains unclear.

Labcorp Genetics (formerly Invitae), Labcorp
Classification: Uncertain significance for Familial melanoma. Last evaluated: 2023-11-29. Review status: criteria provided, single submitter. Criteria: Invitae Variant Classification Sherloc (09022015). Collection method: clinical testing. Allele origin: germline.
Comment: This sequence change falls in intron 3 of the CDK4 gene. It does not directly change the encoded amino acid sequence of the CDK4 protein. This variant is present in population databases (no rsID available, gnomAD 0.01%). This variant has not been reported in the literature in individuals affected with CDK4-related conditions. ClinVar contains an entry for this variant (Variation ID: 483294). Algorithms developed to predict the effect of sequence changes on RNA splicing suggest that this variant may disrupt the consensus splice site. In summary, the available evidence is currently insufficient to determine the role of this variant in disease. Therefore, it has been classified as a Variant of Uncertain Significance.

NM_000075.4(CDK4):c.355-4C>G

Gene: CDK4 (cyclin dependent kinase 4; minus strand). Cytogenetic location: 12q14.1.
Variant type: single nucleotide variant.
Coding change: c.355-4C>G on transcript NM_000075.4 (MANE Select); 4 bases into the intron before coding-DNA position 355, C replaced by G.
Molecular consequence: intron variant.
Genome position (GRCh38, 1-based): chr12:57,751,094, G>C on the plus strand (C>G on the coding strand, the complement: CDK4 is on the minus strand). VCF-style: chr12-57751094-G-C. GRCh37 (hg19) VCF-style: chr12-58144877-G-C.
Identifiers: ClinVar variation 483294 (VCV000483294.9), dbSNP rs1406247863, ClinGen allele CA605706291.